The following is an entry in ClinVar:

ClinVar aggregate classification (germline): Uncertain significance (1 of 4 stars; one submission).

Conditions:
PER2-related disorder. Also called: PER2-related condition.

Allele frequency attached by ClinVar (database versions not stated): TOPMed below 0.00001; gnomAD 0.00001.
gnomAD v4.1: 1 of 1,609,130 alleles (0.000062%); highest among the groups gnomAD compares: African/African-American, 0.0013%; no homozygotes.

Submission:

PreventionGenetics, part of Exact Sciences
Classification: Uncertain significance for PER2-related condition. Last evaluated: 2023-07-27. Review status: criteria provided, single submitter. Criteria: ACMG Guidelines, 2015. Collection method: clinical testing. Allele origin: germline.
Comment: The PER2 c.3275-1G>A variant is predicted to disrupt the AG splice acceptor site and interfere with normal splicing. To our knowledge, this variant has not been reported in the literature or in a large population database, indicating this variant is rare. At this time, the clinical significance of this variant is uncertain due to the absence of conclusive functional and genetic evidence.

NM_022817.3(PER2):c.3275-1G>A

Gene: PER2 (period circadian regulator 2; minus strand). Cytogenetic location: 2q37.3.
Variant type: single nucleotide variant.
Coding change: c.3275-1G>A on transcript NM_022817.3 (MANE Select); the canonical splice acceptor site of the intron before coding-DNA position 3275, G replaced by A.
Molecular consequence: splice acceptor variant.
Genome position (GRCh38, 1-based): chr2:238,250,744, C>T on the plus strand (G>A on the coding strand, the complement: PER2 is on the minus strand). VCF-style: chr2-238250744-C-T. GRCh37 (hg19) VCF-style: chr2-239159385-C-T.
Identifiers: ClinVar variation 2631308 (VCV002631308.1), dbSNP rs1232950702, ClinGen allele CA351248454.